The following is an entry in ClinVar:

ClinVar aggregate classification (germline): Pathogenic (1 of 4 stars; one submission).

Conditions:
Variegate porphyria (VP). Also called: PORPHYRIA, SOUTH AFRICAN TYPE; PROTOPORPHYRINOGEN OXIDASE DEFICIENCY; PPOX DEFICIENCY. Identifiers: Orphanet 79473, MedGen C0162532, MONDO:0008297, OMIM 176200.

Submission:

Department of Dermatology, Peking Union Medical College Hospital
Classification: Pathogenic for Variegate porphyria. Last evaluated: 2026-08-26. Review status: criteria provided, single submitter. Criteria: ACMG Guidelines, 2015. Collection method: provider interpretation. Allele origin: germline. Inheritance: Autosomal dominant inheritance. Affected: yes and no. Observed: 2 variant alleles, 2 heterozygotes. Clinical features observed: Hypopigmentation of the skin (HP:0001010), Scarring (HP:0100699).
Comment: Classified as pathogenic using PVS1, PM2_Supporting and PP4. PVS1: NM_001122764.3:c.222+2del removes the +2 nucleotide of the canonical splice donor and is expected to disrupt normal splicing and cause PPOX loss of function, an established mechanism of variegate porphyria. PM2_Supporting: the variant was absent from population-based cohorts in the Genome Aggregation Database (gnomAD). PP4: the proband had a phenotype consistent with variegate porphyria. Peripheral-blood cDNA Sanger sequencing showed mixed peaks downstream of the marked position. In summary, this variant meets criteria for a pathogenic classification: PVS1, PM2_Supporting and PP4.

NM_001122764.3(PPOX):c.222+2del

Gene: PPOX (protoporphyrinogen oxidase; plus strand). Cytogenetic location: 1q23.3.
Variant type: Deletion.
Coding change: c.222+2del on transcript NM_001122764.3 (MANE Select); the canonical splice donor site of the intron after coding-DNA position 222, one base deleted (T; older notation c.222+2delT).
Molecular consequence: splice donor variant.
Genome position (GRCh38, 1-based): chr1:161,167,236, T deleted. VCF-style (leftmost placement, unchanged base first): chr1-161167235-GT-G. GRCh37 (hg19) VCF-style: chr1-161137025-GT-G.
Other names: NM_001122764.3:c.222+2delT; c.-297+2del (NM_001350130.2); c.222+2del (NM_001350128.2, NM_001365399.1, NM_000309.5 and 1 more transcripts); c.-206+2del (NM_001350129.2); c.-183+2del (NM_001350131.2); c.-90+2del (NM_001365400.1); c.-149+2del (NM_001365401.1).
Identifiers: ClinVar variation 5010285 (VCV005010285.1).